The following is an entry in ClinVar:

ClinVar aggregate classification (germline): Benign/Likely benign. Review status: criteria provided, multiple submitters, no conflicts (2 of 4 stars). 3 submissions from 3 submitters: Benign (1); Likely benign (2). Last evaluated 2024-07-30.

Conditions:
Familial cancer of breast. Also called: hereditary breast carcinoma; BREAST CANCER, FAMILIAL; Hereditary breast cancer. Identifiers: Orphanet 227535, MedGen C0346153, MONDO:0016419, OMIM 114480. Disease mechanism: loss of function.
Hereditary cancer-predisposing syndrome. Also called: Neoplastic Syndromes, Hereditary; Hereditary Cancer Syndrome; Hereditary neoplastic syndrome; Tumor predisposition. Identifiers: Orphanet 140162, MedGen C0027672, MeSH D009386, MONDO:0015356.
Ataxia-telangiectasia syndrome (AT). Also called: ATAXIA-TELANGIECTASIA, COMPLEMENTATION GROUP A; ATAXIA-TELANGIECTASIA, FRESNO VARIANT; Ataxia-telangiectasia, complementation group E; Ataxia telangiectasia (A-T); LOUIS-BAR SYNDROME; Cerebello-oculocutaneous telangiectasia. Identifiers: Orphanet 100, MedGen C0004135, MONDO:0008840, OMIM 208900.

Allele frequency attached by ClinVar (database versions not stated): gnomAD exomes below 0.00001.
gnomAD v4.1: 2 of 1,613,854 alleles (0.00012%); highest among the groups gnomAD compares: Non-Finnish European, 0.00017%; no homozygotes.

Submissions (3):

Labcorp Genetics (formerly Invitae), Labcorp
Classification: Likely benign for Ataxia-telangiectasia syndrome. Last evaluated: 2024-07-30. Review status: criteria provided, single submitter. Criteria: Invitae Variant Classification Sherloc (09022015). Collection method: clinical testing. Allele origin: germline.

Myriad Genetics, Inc.
Classification: Benign for Familial cancer of breast. Last evaluated: 2024-04-16. Review status: criteria provided, single submitter. Criteria: Myriad Autosomal Dominant, Autosomal Recessive and X-Linked Classification Criteria (2023). Collection method: clinical testing. Allele origin: unknown.
Comment: This variant is considered benign. This variant is a silent/synonymous amino acid change and it is not expected to impact splicing.

Ambry Genetics
Classification: Likely benign for Hereditary cancer-predisposing syndrome. Last evaluated: 2019-04-18. Review status: criteria provided, single submitter. Criteria: Ambry Variant Classification Scheme 2023. Collection method: clinical testing. Allele origin: germline.

NM_000051.4(ATM):c.51T>C (p.His17=)

Gene: ATM (ATM serine/threonine kinase; plus strand). Cytogenetic location: 11q22.3.
Variant type: single nucleotide variant.
Coding change: c.51T>C on transcript NM_000051.4 (MANE Select); coding-DNA position 51, T replaced by C.
Protein change: p.His17=; no amino-acid change (histidine 17 retained).
Molecular consequence: synonymous variant.
Genome position (GRCh38, 1-based): chr11:108,227,675, T>C. VCF-style: chr11-108227675-T-C. GRCh37 (hg19) VCF-style: chr11-108098402-T-C.
Other names: c.51T>C, p.His17= (NM_001351834.2, NM_001351835.2, NM_001351836.2).
Identifiers: ClinVar variation 825542 (VCV000825542.13), dbSNP rs1591446045, ClinGen allele CA476667974.